The following is an entry in ClinVar:

ClinVar aggregate classification (germline): Benign/Likely benign. Review status: criteria provided, multiple submitters, no conflicts (2 of 4 stars). 3 submissions from 3 submitters: Benign (1); Likely benign (2). Last evaluated 2026-06-24.

Conditions:
Hereditary cancer-predisposing syndrome. Also called: Tumor predisposition; Hereditary Cancer Syndrome; Hereditary neoplastic syndrome; Neoplastic Syndromes, Hereditary. Identifiers: Orphanet 140162, MedGen C0027672, MeSH D009386, MONDO:0015356.
Retinoblastoma (RB1). Also called: RETINOBLASTOMA, SOMATIC. Identifiers: Orphanet 790, MedGen C0035335, MeSH D012175, MONDO:0008380, OMIM 180200, HP:0009919. Disease mechanism: loss of function. Inheritance: Both sporadic and heritable forms are tested..

Allele frequency attached by ClinVar (database versions not stated): gnomAD exomes below 0.00001.
gnomAD v4.1: 1 of 1,597,362 alleles (0.000063%); highest among the groups gnomAD compares: Admixed American, 0.0017%; no homozygotes.

Submissions (3):

Myriad Genetics, Inc.
Classification: Benign for Retinoblastoma. Last evaluated: 2026-06-24. Review status: criteria provided, single submitter. Criteria: Myriad Autosomal Dominant, Autosomal Recessive and X-Linked Classification Criteria (2023). Collection method: clinical testing. Allele origin: unknown.
Comment: This variant is considered benign. This variant is a silent/synonymous amino acid change and it is not expected to impact splicing.

Labcorp Genetics (formerly Invitae), Labcorp
Classification: Likely benign for Retinoblastoma. Last evaluated: 2023-06-29. Review status: criteria provided, single submitter. Criteria: Invitae Variant Classification Sherloc (09022015). Collection method: clinical testing. Allele origin: germline.

Ambry Genetics
Classification: Likely benign for Hereditary cancer-predisposing syndrome. Last evaluated: 2022-11-11. Review status: criteria provided, single submitter. Criteria: Ambry Variant Classification Scheme 2023. Collection method: clinical testing. Allele origin: germline.

NM_000321.3(RB1):c.1152A>G (p.Gln384=)

Gene: RB1 (RB transcriptional corepressor 1; plus strand). Cytogenetic location: 13q14.2.
Variant type: single nucleotide variant.
Coding change: c.1152A>G on transcript NM_000321.3 (MANE Select); coding-DNA position 1152, A replaced by G.
Protein change: p.Gln384=; no amino-acid change (glutamine 384 retained).
Molecular consequence: synonymous variant.
Genome position (GRCh38, 1-based): chr13:48,373,429, A>G. VCF-style: chr13-48373429-A-G. GRCh37 (hg19) VCF-style: chr13-48947565-A-G.
Other names: c.1152A>G, p.Gln384= (NM_001407165.1, NM_001407166.1).
Identifiers: ClinVar variation 2450493 (VCV002450493.6), dbSNP rs2542194888, ClinGen allele CA483558929.